The following is an entry in ClinVar:

NM_001715.3(BLK):c.781A>C (p.Lys261Gln)

Genes: BLK-AS1 (BLK antisense RNA 1), BLK (BLK proto-oncogene, Src family tyrosine kinase). Cytogenetic location: 8p23.1.
Variant type: single nucleotide variant.
Coding change: c.781A>C on transcript NM_001715.3 (MANE Select); coding-DNA position 781, A replaced by C.
Protein change: p.Lys261Gln; replaces lysine 261 with glutamine.
Molecular consequence: missense variant.
Genome position (GRCh38, 1-based): chr8:11,556,666, A>C. VCF-style: chr8-11556666-A-C. GRCh37 (hg19) VCF-style: chr8-11414175-A-C.
Other names: c.568A>C, p.Lys190Gln (NM_001330465.2); short protein forms K261Q, K190Q.
Identifiers: ClinVar variation 1519528 (VCV001519528.6), dbSNP rs1356664026, ClinGen allele CA370314678.

ClinVar aggregate classification (germline): Uncertain significance (1 of 4 stars; one submission).

Submission:

Labcorp Genetics (formerly Invitae), Labcorp
Classification: Uncertain significance. Last evaluated: 2021-09-16. Review status: criteria provided, single submitter. Criteria: Invitae Variant Classification Sherloc (09022015). Collection method: clinical testing. Allele origin: germline.
Comment: In summary, the available evidence is currently insufficient to determine the role of this variant in disease. Therefore, it has been classified as a Variant of Uncertain Significance. Algorithms developed to predict the effect of missense changes on protein structure and function are either unavailable or do not agree on the potential impact of this missense change (SIFT: "Deleterious"; PolyPhen-2: "Benign"; Align-GVGD: "Class C45"). This variant has not been reported in the literature in individuals affected with BLK-related conditions. This variant is not present in population databases (ExAC no frequency). This sequence change replaces lysine with glutamine at codon 261 of the BLK protein (p.Lys261Gln). The lysine residue is highly conserved and there is a small physicochemical difference between lysine and glutamine.